The following is an entry in ClinVar:

ClinVar aggregate classification (germline): Uncertain significance (1 of 4 stars; one submission).

Allele frequency attached by ClinVar (database versions not stated): gnomAD exomes below 0.00001.
gnomAD v4.1: 1 of 1,613,374 alleles (0.000062%); highest among the groups gnomAD compares: Non-Finnish European, 0.000085%; no homozygotes.

Submission:

Labcorp Genetics (formerly Invitae), Labcorp
Classification: Uncertain significance. Last evaluated: 2022-07-16. Review status: criteria provided, single submitter. Criteria: Invitae Variant Classification Sherloc (09022015). Collection method: clinical testing. Allele origin: germline.
Comment: This sequence change replaces glycine, which is neutral and non-polar, with aspartic acid, which is acidic and polar, at codon 872 of the ANK3 protein (p.Gly872Asp). This variant is not present in population databases (gnomAD no frequency). This variant has not been reported in the literature in individuals affected with ANK3-related conditions. Algorithms developed to predict the effect of missense changes on protein structure and function are either unavailable or do not agree on the potential impact of this missense change (SIFT: "Not Available"; PolyPhen-2: "Probably Damaging"; Align-GVGD: "Not Available"). Algorithms developed to predict the effect of sequence changes on RNA splicing suggest that this variant may create or strengthen a splice site. In summary, the available evidence is currently insufficient to determine the role of this variant in disease. Therefore, it has been classified as a Variant of Uncertain Significance.

NM_020987.5(ANK3):c.2615G>A (p.Gly872Asp)

Gene: ANK3 (ankyrin 3; minus strand). Cytogenetic location: 10q21.2.
Variant type: single nucleotide variant.
Coding change: c.2615G>A on transcript NM_020987.5 (MANE Select); coding-DNA position 2615, G replaced by A.
Protein change: p.Gly872Asp; replaces glycine 872 with aspartic acid.
Molecular consequence: missense variant.
Genome position (GRCh38, 1-based): chr10:60,139,087, C>T on the plus strand (G>A on the coding strand, the complement: ANK3 is on the minus strand). VCF-style: chr10-60139087-C-T. GRCh37 (hg19) VCF-style: chr10-61898845-C-T.
Other names: c.17G>A, p.Ser6Asn (NM_001149.4); c.2597G>A, p.Gly866Asp (NM_001204403.2); c.2618G>A, p.Ser873Asn (NM_001204404.2); c.2615G>A, p.Gly872Asp (NM_001320874.2); short protein forms S6N, G872D, G866D, S873N.
Identifiers: ClinVar variation 1900955 (VCV001900955.5), dbSNP rs2094462735, ClinGen allele CA376999178.